The following is an entry in ClinVar:

NM_001161352.2(KCNMA1):c.499G>C (p.Gly167Arg)

Gene: KCNMA1 (potassium calcium-activated channel subfamily M alpha 1; minus strand). Cytogenetic location: 10q22.3.
Variant type: single nucleotide variant.
Coding change: c.499G>C on transcript NM_001161352.2 (MANE Select); coding-DNA position 499, G replaced by C.
Protein change: p.Gly167Arg; replaces glycine 167 with arginine.
Molecular consequence: missense variant. On other transcripts: intron variant (1).
Genome position (GRCh38, 1-based): chr10:77,403,903, C>G on the plus strand (G>C on the coding strand, the complement: KCNMA1 is on the minus strand). VCF-style: chr10-77403903-C-G. GRCh37 (hg19) VCF-style: chr10-79163661-C-G.
Other names: c.499G>C, p.Gly167Arg (NM_001014797.3, NM_001161353.2, NM_001271519.2 and 7 more transcripts); c.379-152647G>C (NM_001271518.2); short protein forms G167R.
Identifiers: ClinVar variation 1045938 (VCV001045938.11), dbSNP rs2096371606, ClinGen allele CA377411005.

ClinVar aggregate classification (germline): Uncertain significance (1 of 4 stars; one submission).

Conditions:
Generalized epilepsy-paroxysmal dyskinesia syndrome (PNKD3). Also called: Paroxysmal nonkinesigenic dyskinesia, 3, with or without generalized epilepsy; Generalized epilepsy and paroxysmal dyskinesia. Identifiers: Orphanet 79137, MedGen C5574945, MONDO:0012276, OMIM 609446.

Submission:

Labcorp Genetics (formerly Invitae), Labcorp
Classification: Uncertain significance for Generalized epilepsy-paroxysmal dyskinesia syndrome. Last evaluated: 2020-01-08. Review status: criteria provided, single submitter. Criteria: Invitae Variant Classification Sherloc (09022015). Collection method: clinical testing. Allele origin: germline.
Comment: This variant has not been reported in the literature in individuals with KCNMA1-related conditions. In summary, the available evidence is currently insufficient to determine the role of this variant in disease. Therefore, it has been classified as a Variant of Uncertain Significance. Algorithms developed to predict the effect of missense changes on protein structure and function are either unavailable or do not agree on the potential impact of this missense change (SIFT: "Deleterious"; PolyPhen-2: "Probably Damaging"; Align-GVGD: "Class C0"). This variant is not present in population databases (ExAC no frequency). This sequence change replaces glycine with arginine at codon 167 of the KCNMA1 protein (p.Gly167Arg). The glycine residue is highly conserved and there is a moderate physicochemical difference between glycine and arginine.